The following is an entry in ClinVar:

NM_201384.3(PLEC):c.13547C>T (p.Thr4516Ile)

Gene: PLEC (plectin; minus strand). Cytogenetic location: 8q24.3.
Variant type: single nucleotide variant.
Coding change: c.13547C>T on transcript NM_201384.3 (MANE Select); coding-DNA position 13547, C replaced by T.
Protein change: p.Thr4516Ile; replaces threonine 4516 with isoleucine.
Molecular consequence: missense variant.
Genome position (GRCh38, 1-based): chr8:143,916,274, G>A on the plus strand (C>T on the coding strand, the complement: PLEC is on the minus strand). VCF-style: chr8-143916274-G-A. GRCh37 (hg19) VCF-style: chr8-144990442-G-A.
Other names: c.13628C>T (NM_000445.3); c.13628C>T, p.Thr4543Ile (NM_000445.5); c.13505C>T, p.Thr4502Ile (NM_201378.4); c.13481C>T, p.Thr4494Ile (NM_201379.3); c.13958C>T, p.Thr4653Ile (NM_201380.4); c.13451C>T, p.Thr4484Ile (NM_201381.3); c.13547C>T, p.Thr4516Ile (NM_201382.4); c.13559C>T, p.Thr4520Ile (NM_201383.3); short protein forms T4484I, T4502I, T4520I, T4543I, T4494I, T4516I, T4653I.
Identifiers: ClinVar variation 598012 (VCV000598012.17), dbSNP rs1320878270, ClinGen allele CA372473850.

ClinVar aggregate classification (germline): Uncertain significance. Review status: criteria provided, multiple submitters, no conflicts (2 of 4 stars). 4 submissions from 4 submitters: Uncertain significance (4). Last evaluated 2026-03-23.

Conditions:
Epidermolysis bullosa simplex 5C, with pyloric atresia (EBS5C). Also called: PLEC-Related Epidermolysis Bullosa with Pyloric Atresia; Epidermolysis bullosa simplex with pyloric atresia; PLEC1-Related Epidermolysis Bullosa with Pyloric Atresia. Identifiers: Orphanet 158684, MedGen C2677349, MONDO:0012807, OMIM 612138.
Autosomal recessive limb-girdle muscular dystrophy type 2Q (LGMDR17). Also called: MUSCULAR DYSTROPHY, LIMB-GIRDLE, AUTOSOMAL RECESSIVE 17. Identifiers: Orphanet 254361, MedGen C3150989, MONDO:0013390, OMIM 613723.
Epidermolysis bullosa simplex 5B, with muscular dystrophy (EBS5B). Also called: Epidermolysis bullosa simplex with muscular dystrophy; EPIDERMOLYSIS BULLOSA SIMPLEX AND LIMB-GIRDLE MUSCULAR DYSTROPHY. Identifiers: Orphanet 257, MedGen C2931072, MONDO:0009181, OMIM 226670.
Epidermolysis bullosa simplex, Ogna type (EBS5A). Also called: Pidermolysis bullosa simplex 5A, Ogna type; EPIDERMOLYSIS BULLOSA SIMPLEX 5A, OGNA TYPE. Identifiers: Orphanet 79401, MedGen C0432317, MONDO:0007555, OMIM 131950.
Epidermolysis bullosa simplex with nail dystrophy (EBS5D). Identifiers: MedGen C4225309, MONDO:0014661, OMIM 616487.
Inborn genetic diseases. Identifiers: MedGen C0950123, MeSH D030342.

Allele frequency attached by ClinVar (database versions not stated): gnomAD 0.00001; TOPMed 0.00001; gnomAD exomes 0.00001.
gnomAD v4.1: 15 of 1,556,816 alleles (0.00096%); highest among the groups gnomAD compares: East Asian, 0.0024%; no homozygotes.

Submissions (4):

Ambry Genetics
Classification: Uncertain significance for Inborn genetic diseases. Last evaluated: 2026-03-23. Review status: criteria provided, single submitter. Criteria: Ambry Variant Classification Scheme 2023. Collection method: clinical testing. Allele origin: germline.
Comment: The c.13628C>T (p.T4543I) alteration is located in exon 33 (coding exon 32) of the PLEC gene. This alteration results from a C to T substitution at nucleotide position 13628, causing the threonine (T) at amino acid position 4543 to be replaced by an isoleucine (I). Based on data from gnomAD, the T allele has an overall frequency of 0.001% (1/155892) total alleles studied. The highest observed frequency was 0.002% (1/59860) of European (non-Finnish) alleles. Based on insufficient or conflicting evidence, the clinical significance of this alteration remains unclear.

Labcorp Genetics (formerly Invitae), Labcorp
Classification: Uncertain significance for Autosomal recessive limb-girdle muscular dystrophy type 2Q; Epidermolysis bullosa simplex, Ogna type; Epidermolysis bullosa simplex with nail dystrophy; Epidermolysis bullosa simplex 5C, with pyloric atresia; Epidermolysis bullosa simplex 5B, with muscular dystrophy. Last evaluated: 2024-06-22. Review status: criteria provided, single submitter. Criteria: Invitae Variant Classification Sherloc (09022015). Collection method: clinical testing. Allele origin: germline.
Comment: This sequence change replaces threonine, which is neutral and polar, with isoleucine, which is neutral and non-polar, at codon 4543 of the PLEC protein (p.Thr4543Ile). This variant is present in population databases (no rsID available, gnomAD 0.002%). This variant has not been reported in the literature in individuals affected with PLEC-related conditions. ClinVar contains an entry for this variant (Variation ID: 598012). Experimental studies and prediction algorithms are not available or were not evaluated, and the functional significance of this variant is currently unknown. In summary, the available evidence is currently insufficient to determine the role of this variant in disease. Therefore, it has been classified as a Variant of Uncertain Significance.

Revvity Omics, Revvity
Classification: Uncertain significance. Last evaluated: 2019-10-04. Review status: criteria provided, single submitter. Criteria: ACMG Guidelines, 2015. Collection method: clinical testing. Allele origin: germline.

Eurofins Ntd Llc (ga)
Classification: Uncertain significance. Last evaluated: 2018-07-13. Review status: criteria provided, single submitter. Criteria: EGL ClinVar v180209 classification definitions. Collection method: clinical testing. Allele origin: germline. Observed: 1 variant allele, 1 heterozygote.